The following is an entry in ClinVar:

NM_014714.4(IFT140):c.1115A>G (p.Gln372Arg)

Genes: IFT140 (intraflagellar transport 140; minus strand), LOC105371046 (uncharacterized LOC105371046; plus strand). Cytogenetic location: 16p13.3.
Variant type: single nucleotide variant.
Coding change: c.1115A>G on transcript NM_014714.4 (MANE Select); coding-DNA position 1115, A replaced by G.
Protein change: p.Gln372Arg; replaces glutamine 372 with arginine.
Molecular consequence: missense variant.
Genome position (GRCh38, 1-based): chr16:1,586,170, T>C on the plus strand (A>G on the coding strand, the complement: IFT140 is on the minus strand). VCF-style: chr16-1586170-T-C. GRCh37 (hg19) VCF-style: chr16-1636171-T-C.
Other names: short protein forms Q372R.
Identifiers: ClinVar variation 1025329 (VCV001025329.9), dbSNP rs1555491988, ClinGen allele CA7814434.
Genomic context (GRCh38, chr16:1,586,170, plus strand): 5'-AACACCCTTGGAGGCTGTACCTGGATTTGCGTGATGTTTCCTTGGAGCTCGGTAGGGGTC[T>C]GAAGGGCCCACCTGTCCTTGCCCTCTGCCCCGGGGCTGCCCAGGAAGTCTGGTACTTTCC-3'
Protein context (NP_055529.2, residues 362-382): GAEGKDRWAL[Gln372Arg]TPTELQGNIT

ClinVar aggregate classification (germline): Uncertain significance. Review status: criteria provided, multiple submitters, no conflicts (2 of 4 stars). 2 submissions from 2 submitters: Uncertain significance (2). Last evaluated 2025-10-01.

Conditions:
Saldino-Mainzer syndrome (SRTD9). Also called: Renal dysplasia, retinal pigmentary dystrophy, cerebellar ataxia and skeletal dysplasia; SHORT-RIB THORACIC DYSPLASIA 9 WITHOUT POLYDACTYLY; CONORENAL SYNDROME; short-rib thoracic dysplasia 9 with or without polydactyly. Identifiers: Orphanet 140969, MedGen C1849437, MONDO:0009964, OMIM 266920.

Allele frequency attached by ClinVar (database versions not stated): gnomAD exomes 0.00002 and 0.00001; TOPMed 0.00001; ExAC 0.00002.

Submissions (2):

Labcorp Genetics (formerly Invitae), Labcorp
Classification: Uncertain significance for Saldino-Mainzer syndrome. Last evaluated: 2025-10-01. Review status: criteria provided, single submitter. Criteria: Invitae Variant Classification Sherloc (09022015). Collection method: clinical testing. Allele origin: germline.
Comment: This sequence change replaces glutamine, which is neutral and polar, with arginine, which is basic and polar, at codon 372 of the IFT140 protein (p.Gln372Arg). This variant is present in population databases (no rsID available, gnomAD 0.004%). This variant has not been reported in the literature in individuals affected with IFT140-related conditions. ClinVar contains an entry for this variant (Variation ID: 1025329). Invitae Evidence Modeling of protein sequence and biophysical properties (such as structural, functional, and spatial information, amino acid conservation, physicochemical variation, residue mobility, and thermodynamic stability) indicates that this missense variant is not expected to disrupt IFT140 protein function with a negative predictive value of 95%. In summary, the available evidence is currently insufficient to determine the role of this variant in disease. Therefore, it has been classified as a Variant of Uncertain Significance.

Blueprint Genetics
Classification: Uncertain significance. Last evaluated: 2020-07-30. Review status: criteria provided, single submitter. Criteria: ACMG Guidelines, 2015. Collection method: clinical testing. Allele origin: germline.